The following is an entry in ClinVar:

ClinVar aggregate classification (germline): Uncertain significance (1 of 4 stars; one submission).

Allele frequency attached by ClinVar (database versions not stated): gnomAD exomes 0.00001; TOPMed 0.00001.
gnomAD v4.1: 11 of 1,611,566 alleles (0.00068%); highest among the groups gnomAD compares: Middle Eastern, 0.033%; no homozygotes.

Submission:

Labcorp Genetics (formerly Invitae), Labcorp
Classification: Uncertain significance. Last evaluated: 2022-03-15. Review status: criteria provided, single submitter. Criteria: Invitae Variant Classification Sherloc (09022015). Collection method: clinical testing. Allele origin: germline.
Comment: This variant has not been reported in the literature in individuals affected with SKIV2L-related conditions. This variant is not present in population databases (gnomAD no frequency). This sequence change affects codon 656 of the SKIV2L mRNA. It is a 'silent' change, meaning that it does not change the encoded amino acid sequence of the SKIV2L protein. Algorithms developed to predict the effect of sequence changes on RNA splicing suggest that this variant may create or strengthen a splice site. In summary, the available evidence is currently insufficient to determine the role of this variant in disease. Therefore, it has been classified as a Variant of Uncertain Significance.

NM_006929.5(SKIC2):c.1968C>A (p.Val656=)

Gene: SKIC2 (SKI2 subunit of superkiller complex; plus strand). Cytogenetic location: 6p21.33.
Variant type: single nucleotide variant.
Coding change: c.1968C>A on transcript NM_006929.5 (MANE Select); coding-DNA position 1968, C replaced by A.
Protein change: p.Val656=; no amino-acid change (valine 656 retained).
Molecular consequence: synonymous variant.
Genome position (GRCh38, 1-based): chr6:31,964,339, C>A. VCF-style: chr6-31964339-C-A. GRCh37 (hg19) VCF-style: chr6-31932116-C-A.
Identifiers: ClinVar variation 1908984 (VCV001908984.3), dbSNP rs1014926307, ClinGen allele CA136909709.